The following is an entry in ClinVar:

NM_007078.3(LDB3):c.1858-10T>C

Gene: LDB3 (LIM domain binding 3; plus strand). Cytogenetic location: 10q23.2.
Variant type: single nucleotide variant.
Coding change: c.1858-10T>C on transcript NM_007078.3 (MANE Select); 10 bases into the intron before coding-DNA position 1858, T replaced by C.
Molecular consequence: intron variant.
Genome position (GRCh38, 1-based): chr10:86,718,717, T>C. VCF-style: chr10-86718717-T-C. GRCh37 (hg19) VCF-style: chr10-88478474-T-C.
Other names: c.1669-10T>C (NM_001368064.1, NM_001368065.1); c.1873-10T>C (NM_001171610.2); c.1717-10T>C (NM_001368066.1); c.1528-10T>C (NM_001080114.2, NM_001080114.1).
Identifiers: ClinVar variation 45534 (VCV000045534.17), dbSNP rs202208256, ClinGen allele CA136564.

ClinVar aggregate classification (germline): Likely benign. Review status: criteria provided, multiple submitters, no conflicts (2 of 4 stars). 6 submissions from 6 submitters: Likely benign (5). 1 of the submissions does not count toward it. Last evaluated 2025-11-10.

Conditions:
LDB3-related disorder. Also called: LDB3-related condition.
Myofibrillar myopathy 4. Also called: Zaspopathy (type). Identifiers: Orphanet 98912, MedGen C4721886, MONDO:0012277, OMIM 609452.
Dilated cardiomyopathy 1C (CMD1C). Also called: CARDIOMYOPATHY, DILATED, 1C, WITH OR WITHOUT LEFT VENTRICULAR NONCOMPACTION; Cardiomyopathy, dilated, 1C, with or without LVNC. Identifiers: Orphanet 154, Orphanet 54260, MedGen C1832244, MONDO:0011094, OMIM 601493.

Allele frequency attached by ClinVar (database versions not stated): gnomAD 0.00017; 1000 Genomes Project 0.00060; gnomAD exomes 0.00003 and 0.00002; ExAC 0.00004; TOPMed 0.00051; 1000 Genomes Project 30x 0.00047.
gnomAD v4.1: 55 of 1,614,158 alleles (0.0034%); highest among the groups gnomAD compares: Admixed American, 0.072%; no homozygotes.

Submissions (6):

Labcorp Genetics (formerly Invitae), Labcorp
Classification: Likely benign for Myofibrillar myopathy 4. Last evaluated: 2025-11-10. Review status: criteria provided, single submitter. Criteria: Invitae Variant Classification Sherloc (09022015). Collection method: clinical testing. Allele origin: germline.

PreventionGenetics, part of Exact Sciences
Classification: Likely benign for LDB3-related condition. Last evaluated: 2025-02-14. Review status: criteria provided, single submitter. Criteria: ACMG Guidelines, 2015. Collection method: clinical testing. Allele origin: germline.
Comment: This variant is classified as likely benign based on ACMG/AMP sequence variant interpretation guidelines (Richards et al. 2015 PMID: 25741868, with internal and published modifications).

Blueprint Genetics
Classification: Likely benign. Last evaluated: 2022-11-18. Review status: criteria provided, single submitter. Criteria: ACMG Guidelines, 2015. Collection method: clinical testing. Allele origin: germline.

Fulgent Genetics
Classification: Likely benign for Dilated cardiomyopathy 1C; Myofibrillar myopathy 4. Last evaluated: 2021-07-26. Review status: criteria provided, single submitter. Criteria: ACMG Guidelines, 2015. Collection method: clinical testing. Allele origin: unknown.

GeneDx
Classification: Likely benign. Last evaluated: 2017-11-14. Review status: criteria provided, single submitter. Criteria: GeneDx Variant Classification (06012015). Collection method: clinical testing. Allele origin: germline. Affected: yes.
Comment: This variant is considered likely benign or benign based on one or more of the following criteria: it is a conservative change, it occurs at a poorly conserved position in the protein, it is predicted to be benign by multiple in silico algorithms, and/or has population frequency not consistent with disease.

Laboratory for Molecular Medicine, Mass General Brigham Personalized Medicine
Classification: Uncertain significance. Last evaluated: 2009-04-28. Review status: no assertion criteria provided. Collection method: clinical testing. Allele origin: germline. Observed: 1 variant allele. Not counted in ClinVar's aggregate classification.